The following is an entry in ClinVar:

NM_018263.6(ASXL2):c.2382A>G (p.Ser794=)

Gene: ASXL2 (ASXL transcriptional regulator 2; minus strand). Cytogenetic location: 2p23.3.
Variant type: single nucleotide variant.
Coding change: c.2382A>G on transcript NM_018263.6 (MANE Select); coding-DNA position 2382, A replaced by G.
Protein change: p.Ser794=; no amino-acid change (serine 794 retained).
Molecular consequence: synonymous variant.
Genome position (GRCh38, 1-based): chr2:25,743,955, T>C on the plus strand (A>G on the coding strand, the complement: ASXL2 is on the minus strand). VCF-style: chr2-25743955-T-C. GRCh37 (hg19) VCF-style: chr2-25966824-T-C.
Other names: c.2208A>G, p.Ser736= (NM_001369346.1); c.1602A>G, p.Ser534= (NM_001369347.1).
Identifiers: ClinVar variation 1555899 (VCV001555899.30), dbSNP rs113553608, ClinGen allele CA1557645.
Genomic context (GRCh38, chr2:25,743,955, plus strand): 5'-TGTGGCTGTTGCTCTGGTGGGGTTCAGTTTTTCATTATCCAATTTCTCTATGTGGGCTGG[T>C]GATGGGACACTTGTGCATGCTCCACTGACGGCAGGTGTTGGAGGCACTGGGGGGGTTTGC-3'
Protein context (NP_060733.4, residues 784-804): AVSGACTSVP[Ser794=]PAHIEKLDNE

ClinVar aggregate classification (germline): Likely benign. Review status: criteria provided, multiple submitters, no conflicts (2 of 4 stars). 2 submissions from 2 submitters: Likely benign (2). Last evaluated 2025-09-26.

Allele frequency attached by ClinVar (database versions not stated): ESP Exome Variant Server 0.00016; 1000 Genomes Project 0.00020; gnomAD 0.00021 and 0.00022; TOPMed 0.00023; ExAC 0.00024; gnomAD exomes 0.00026 and 0.00033; 1000 Genomes Project 30x 0.00047.
gnomAD v4.1: 518 of 1,613,954 alleles (0.032%); highest among the groups gnomAD compares: Middle Eastern, 0.082%; 1 homozygote.

Submissions (2):

Labcorp Genetics (formerly Invitae), Labcorp
Classification: Likely benign. Last evaluated: 2025-09-26. Review status: criteria provided, single submitter. Criteria: Invitae Variant Classification Sherloc (09022015). Collection method: clinical testing. Allele origin: germline.

CeGaT Center for Human Genetics Tuebingen
Classification: Likely benign. Last evaluated: 2023-12-01. Review status: criteria provided, single submitter. Criteria: CeGaT Center For Human Genetics Tuebingen Variant Classification Criteria Version 2. Collection method: clinical testing. Allele origin: germline. Affected: yes. Observed: 1 variant allele.
Comment: ASXL2: BP4, BP7